The following is an entry in ClinVar:

NM_001034850.3(RETREG1):c.816C>T (p.Asp272=)

Gene: RETREG1 (reticulophagy regulator 1; minus strand). Cytogenetic location: 5p15.1.
Variant type: single nucleotide variant.
Coding change: c.816C>T on transcript NM_001034850.3 (MANE Select); coding-DNA position 816, C replaced by T.
Protein change: p.Asp272=; no amino-acid change (aspartic acid 272 retained).
Molecular consequence: synonymous variant.
Genome position (GRCh38, 1-based): chr5:16,478,091, G>A on the plus strand (C>T on the coding strand, the complement: RETREG1 is on the minus strand). VCF-style: chr5-16478091-G-A. GRCh37 (hg19) VCF-style: chr5-16478200-G-A.
Other names: p.Asp272=; c.393C>T, p.Asp131= (NM_019000.5).
Identifiers: ClinVar variation 352689 (VCV000352689.33), dbSNP rs162848, ClinGen allele CA3210325.
Genomic context (GRCh38, chr5:16,478,091, plus strand): 5'-TACCTTAGGACAAAGAGCTGAAAAGTCTAATTCACTGTCATCTTTGTGACTTTTTTCTTT[G>A]TCTGCTTCTGTTGAGGAAAAAATTTGGAAGCTTTCAGTTTCCTAGCCAACTCAGACATAG-3'
Protein context (NP_001030022.1, residues 262-282): NQKKRERSEA[Asp272=]KEKSHKDDSE

ClinVar aggregate classification (germline): Benign. Review status: criteria provided, multiple submitters, no conflicts (2 of 4 stars). 9 submissions from 9 submitters: Benign (7). 2 of the submissions do not count toward it. Last evaluated 2026-02-04.

Conditions:
Neuropathy, hereditary sensory and autonomic, type 2B (HSAN2B). Also called: RETREG1-Related HSAN2 (HSAN2B). Identifiers: Orphanet 970, MedGen C2751092, MONDO:0013142, OMIM 613115.

Allele frequency attached by ClinVar (database versions not stated): gnomAD exomes 0.65241 and 0.68100; ExAC 0.66612; 1000 Genomes Project 0.67752; 1000 Genomes Project 30x 0.67879; gnomAD 0.70574 and 0.71313; TOPMed 0.71233; ESP Exome Variant Server 0.73063.
gnomAD v4.1: 1,096,317 of 1,604,128 alleles (68%); highest among the groups gnomAD compares: African/African-American, 81%; 377,592 homozygotes.

Submissions (9):

Labcorp Genetics (formerly Invitae), Labcorp
Classification: Benign. Last evaluated: 2026-02-04. Review status: criteria provided, single submitter. Criteria: Invitae Variant Classification Sherloc (09022015). Collection method: clinical testing. Allele origin: germline.

ARUP Laboratories, Molecular Genetics and Genomics, ARUP Laboratories
Classification: Benign for Neuropathy, hereditary sensory and autonomic, type 2B. Last evaluated: 2025-07-30. Review status: criteria provided, single submitter. Criteria: ARUP Molecular Germline Variant Investigation Process 2024. Collection method: clinical testing. Allele origin: germline.

Genome-Nilou Lab
Classification: Benign for Neuropathy, hereditary sensory and autonomic, type 2B. Last evaluated: 2021-08-10. Review status: criteria provided, single submitter. Criteria: ACMG Guidelines, 2015. Collection method: clinical testing. Allele origin: germline. Affected: no.

Illumina Laboratory Services, Illumina
Classification: Benign for Neuropathy, hereditary sensory and autonomic, type 2B. Last evaluated: 2018-01-13. Review status: criteria provided, single submitter. Criteria: ICSL Variant Classification Criteria 13 December 2019. Collection method: clinical testing. Allele origin: germline.
Comment: This variant was observed in the ICSL laboratory as part of a predisposition screen in an ostensibly healthy population. It had not been previously curated by ICSL or reported in the Human Gene Mutation Database (HGMD: prior to June 1st, 2018), and was therefore a candidate for classification through an automated scoring system. Utilizing variant allele frequency, disease prevalence and penetrance estimates, and inheritance mode, an automated score was calculated to assess if this variant is too frequent to cause the disease. Based on the score and internal cut-off values, a variant classified as benign is not then subjected to further curation. The score for this variant resulted in a classification of benign for this disease.

Mayo Clinic Laboratories, Mayo Clinic
Classification: Benign. Last evaluated: 2015-08-24. Review status: criteria provided, single submitter. Criteria: ACMG Guidelines, 2015. Collection method: clinical testing. Allele origin: germline. Observed: 1,422 variant alleles.

GeneDx
Classification: Benign. Last evaluated: 2015-03-03. Review status: criteria provided, single submitter. Criteria: GeneDx Variant Classification Process June 2021. Collection method: clinical testing. Allele origin: germline. Affected: yes.

Breakthrough Genomics
Classification: Benign. Review status: criteria provided, single submitter. Criteria: ACMG Guidelines, 2015. Collection method: not provided. Allele origin: germline. Inheritance: Autosomal recessive inheritance. Affected: yes.

Clinical Genetics, Academic Medical Center
Classification: Benign. Review status: no assertion criteria provided. Collection method: clinical testing. Allele origin: germline. Affected: yes. Study: VKGL Data-share Consensus. Not counted in ClinVar's aggregate classification.

Diagnostic Laboratory, Department of Genetics, University Medical Center Groningen
Classification: Benign for Neuropathy, hereditary sensory and autonomic, type 2B. Review status: no assertion criteria provided. Collection method: clinical testing. Allele origin: germline. Affected: yes. Study: VKGL Data-share Consensus. Not counted in ClinVar's aggregate classification.